The following is an entry in ClinVar:

ClinVar aggregate classification (germline): Uncertain significance (1 of 4 stars; one submission).

Conditions:
Hereditary cancer-predisposing syndrome. Also called: Tumor predisposition; Hereditary Cancer Syndrome; Hereditary neoplastic syndrome; Neoplastic Syndromes, Hereditary. Identifiers: Orphanet 140162, MedGen C0027672, MeSH D009386, MONDO:0015356.

Submission:

Ambry Genetics
Classification: Uncertain significance for Hereditary cancer-predisposing syndrome. Last evaluated: 2023-09-10. Review status: criteria provided, single submitter. Criteria: Ambry Variant Classification Scheme 2023. Collection method: clinical testing. Allele origin: germline.
Comment: The p.I262T variant (also known as c.785T>C), located in coding exon 7 of the FANCC gene, results from a T to C substitution at nucleotide position 785. The isoleucine at codon 262 is replaced by threonine, an amino acid with similar properties. This amino acid position is conserved. In addition, this alteration is predicted to be tolerated by in silico analysis. Since supporting evidence is limited at this time, the clinical significance of this alteration remains unclear.

NM_000136.3(FANCC):c.785T>C (p.Ile262Thr)

Genes: AOPEP (aminopeptidase O (putative); plus strand), FANCC (FA complementation group C; minus strand). Cytogenetic location: 9q22.32.
Variant type: single nucleotide variant.
Coding change: c.785T>C on transcript NM_000136.3 (MANE Select); coding-DNA position 785, T replaced by C.
Protein change: p.Ile262Thr; replaces isoleucine 262 with threonine.
Molecular consequence: missense variant.
Genome position (GRCh38, 1-based): chr9:95,135,404, A>G on the plus strand (T>C on the coding strand, the complement: FANCC is on the minus strand). VCF-style: chr9-95135404-A-G. GRCh37 (hg19) VCF-style: chr9-97897686-A-G.
Other names: c.785T>C, p.Ile262Thr (NM_001243743.2, NM_001243744.2); short protein forms I262T.
Identifiers: ClinVar variation 2624696 (VCV002624696.2), dbSNP rs1429664511, ClinGen allele CA374109290.